The following is an entry in ClinVar:

ClinVar aggregate classification (germline): Uncertain significance. Review status: criteria provided, multiple submitters, no conflicts (2 of 4 stars). 3 submissions from 3 submitters: Uncertain significance (3). Last evaluated 2021-09-14.

Conditions:
Primary ciliary dyskinesia. Also called: Ciliary dyskinesia. Identifiers: Orphanet 244, MedGen C0008780, MONDO:0016575, HP:0012265.
Primary ciliary dyskinesia 2. Also called: CILIARY DYSKINESIA, PRIMARY, 2, WITH OR WITHOUT SITUS INVERSUS. Identifiers: Orphanet 244, MedGen C1847554, MONDO:0011718, OMIM 606763.

Allele frequency attached by ClinVar (database versions not stated): gnomAD 0.00001; gnomAD exomes 0.00001; TOPMed 0.00001.
gnomAD v4.1: 14 of 1,547,972 alleles (0.0009%); highest among the groups gnomAD compares: Non-Finnish European, 0.00087%; no homozygotes.

Submissions (3):

Ambry Genetics
Classification: Uncertain significance for Primary ciliary dyskinesia. Last evaluated: 2021-09-14. Review status: criteria provided, single submitter. Criteria: Ambry Variant Classification Scheme 2023. Collection method: clinical testing. Allele origin: germline.

Fulgent Genetics
Classification: Uncertain significance for Primary ciliary dyskinesia 2. Last evaluated: 2021-07-19. Review status: criteria provided, single submitter. Criteria: ACMG Guidelines, 2015. Collection method: clinical testing. Allele origin: unknown.

Labcorp Genetics (formerly Invitae), Labcorp
Classification: Uncertain significance for Primary ciliary dyskinesia. Last evaluated: 2021-05-25. Review status: criteria provided, single submitter. Criteria: Invitae Variant Classification Sherloc (09022015). Collection method: clinical testing. Allele origin: germline.
Comment: Algorithms developed to predict the effect of missense changes on protein structure and function are either unavailable or do not agree on the potential impact of this missense change (SIFT: "Deleterious"; PolyPhen-2: "Probably Damaging"; Align-GVGD: "Class C0"). In summary, the available evidence is currently insufficient to determine the role of this variant in disease. Therefore, it has been classified as a Variant of Uncertain Significance. This variant has been observed in individual(s) with clinical features of primary ciliary dyskinesia (Invitae). This variant is not present in population databases (ExAC no frequency). This sequence change replaces alanine with aspartic acid at codon 352 of the DNAAF3 protein (p.Ala352Asp). The alanine residue is highly conserved and there is a moderate physicochemical difference between alanine and aspartic acid.

NM_001256715.2(DNAAF3):c.851C>A (p.Ala284Asp)

Genes: DNAAF3 (dynein axonemal assembly factor 3; minus strand), DNAAF3-AS1 (DNAAF3 antisense RNA 1; plus strand). Cytogenetic location: 19q13.42.
Variant type: single nucleotide variant.
Coding change: c.851C>A on transcript NM_001256715.2 (MANE Select); coding-DNA position 851, C replaced by A.
Protein change: p.Ala284Asp; replaces alanine 284 with aspartic acid.
Molecular consequence: missense variant.
Genome position (GRCh38, 1-based): chr19:55,161,126, G>T on the plus strand (C>A on the coding strand, the complement: DNAAF3 is on the minus strand). VCF-style: chr19-55161126-G-T. GRCh37 (hg19) VCF-style: chr19-55672494-G-T.
Other names: c.1055C>A, p.Ala352Asp (NM_001256714.1); c.689C>A, p.Ala230Asp (NM_001256716.2); c.992C>A, p.Ala331Asp (NM_178837.4); short protein forms A230D, A352D, A284D, A331D.
Identifiers: ClinVar variation 1442743 (VCV001442743.8), dbSNP rs966788457, ClinGen allele CA310153447.